The following is an entry in ClinVar:

NM_004260.4(RECQL4):c.1637C>T (p.Pro546Leu)

Gene: RECQL4 (RecQ like helicase 4; minus strand). Cytogenetic location: 8q24.3.
Variant type: single nucleotide variant.
Coding change: c.1637C>T on transcript NM_004260.4 (MANE Select); coding-DNA position 1637, C replaced by T.
Protein change: p.Pro546Leu; replaces proline 546 with leucine.
Molecular consequence: missense variant.
Genome position (GRCh38, 1-based): chr8:144,514,509, G>A on the plus strand (C>T on the coding strand, the complement: RECQL4 is on the minus strand). VCF-style: chr8-144514509-G-A. GRCh37 (hg19) VCF-style: chr8-145739893-G-A.
Other names: short protein forms P546L.
Identifiers: ClinVar variation 406987 (VCV000406987.12), dbSNP rs377298374, ClinGen allele CA4948730.

ClinVar aggregate classification (germline): Uncertain significance. Review status: criteria provided, multiple submitters, no conflicts (2 of 4 stars). 3 submissions from 3 submitters: Uncertain significance (3). Last evaluated 2026-01-26.

Conditions:
Rothmund-Thomson syndrome type 2 (RTS2). Identifiers: Orphanet 221016, MedGen C5203410, MONDO:0016369, OMIM 268400.
Inborn genetic diseases. Identifiers: MedGen C0950123, MeSH D030342.
Baller-Gerold syndrome (BGS). Also called: CRANIOSYNOSTOSIS WITH RADIAL DEFECTS. Identifiers: Orphanet 1225, MedGen C0265308, MONDO:0009039, OMIM 218600.

Allele frequency attached by ClinVar (database versions not stated): gnomAD 0.00002; TOPMed 0.00002; ESP Exome Variant Server 0.00016.
gnomAD v4.1: 18 of 1,611,508 alleles (0.0011%); highest among the groups gnomAD compares: East Asian, 0.0022%; no homozygotes.

Submissions (3):

Labcorp Genetics (formerly Invitae), Labcorp
Classification: Uncertain significance for Baller-Gerold syndrome. Last evaluated: 2026-01-26. Review status: criteria provided, single submitter. Criteria: Invitae Variant Classification Sherloc (09022015). Collection method: clinical testing. Allele origin: germline.
Comment: This sequence change replaces proline, which is neutral and non-polar, with leucine, which is neutral and non-polar, at codon 546 of the RECQL4 protein (p.Pro546Leu). This variant is present in population databases (rs377298374, gnomAD 0.007%). This variant has not been reported in the literature in individuals affected with RECQL4-related conditions. ClinVar contains an entry for this variant (Variation ID: 406987). Invitae Evidence Modeling of protein sequence and biophysical properties (such as structural, functional, and spatial information, amino acid conservation, physicochemical variation, residue mobility, and thermodynamic stability) indicates that this missense variant is not expected to disrupt RECQL4 protein function with a negative predictive value of 80%. In summary, the available evidence is currently insufficient to determine the role of this variant in disease. Therefore, it has been classified as a Variant of Uncertain Significance.

Ambry Genetics
Classification: Uncertain significance for Inborn genetic diseases. Last evaluated: 2025-04-07. Review status: criteria provided, single submitter. Criteria: Ambry Variant Classification Scheme 2023. Collection method: clinical testing. Allele origin: germline.
Comment: The p.P546L variant (also known as c.1637C>T), located in coding exon 10 of the RECQL4 gene, results from a C to T substitution at nucleotide position 1637. The proline at codon 546 is replaced by leucine, an amino acid with similar properties. This amino acid position is conserved. In addition, this alteration is predicted to be tolerated by in silico analysis. Based on the available evidence, the clinical significance of this variant remains unclear.

Baylor Genetics
Classification: Uncertain significance for Rothmund-Thomson syndrome type 2. Last evaluated: 2018-11-03. Review status: criteria provided, single submitter. Criteria: ACMG Guidelines, 2015. Collection method: clinical testing. Allele origin: unknown. Affected: yes. Study: CSER-TexasKidsCanSeq.
Comment: This variant was determined to be of uncertain significance according to ACMG Guidelines, 2015 [PMID:25741868].